The following is an entry in ClinVar:

NM_000492.4(CFTR):c.3697T>C (p.Ser1233Pro)

Genes: CFTR (CF transmembrane conductance regulator; plus strand), CFTR-AS2 (CFTR antisense RNA 2; minus strand). Cytogenetic location: 7q31.2.
Variant type: single nucleotide variant.
Coding change: c.3697T>C on transcript NM_000492.4 (MANE Select); coding-DNA position 3697, T replaced by C.
Protein change: p.Ser1233Pro; replaces serine 1233 with proline.
Molecular consequence: missense variant.
Genome position (GRCh38, 1-based): chr7:117,627,750, T>C. VCF-style: chr7-117627750-T-C. GRCh37 (hg19) VCF-style: chr7-117267804-T-C.
Other names: short protein forms S1233P.
Identifiers: ClinVar variation 2447400 (VCV002447400.2), dbSNP rs2485146648, ClinGen allele CA368997533.

ClinVar aggregate classification (germline): Uncertain significance (1 of 4 stars; one submission).

Conditions:
Cystic fibrosis (CF). Also called: MUCOVISCIDOSIS. Identifiers: Orphanet 586, MedGen C0010674, MONDO:0009061, OMIM 219700. Disease mechanism: loss of function.

Allele frequency attached by ClinVar (database versions not stated): gnomAD exomes below 0.00001.
gnomAD v4.1: 1 of 1,612,336 alleles (0.000062%); highest among the groups gnomAD compares: Non-Finnish European, 0.000085%; no homozygotes.

Submission:

Ambry Genetics
Classification: Uncertain significance for Cystic fibrosis. Last evaluated: 2022-12-18. Review status: criteria provided, single submitter. Criteria: Ambry Variant Classification Scheme 2023. Collection method: clinical testing. Allele origin: germline.
Comment: The p.S1233P variant (also known as c.3697T>C), located in coding exon 22 of the CFTR gene, results from a T to C substitution at nucleotide position 3697. The serine at codon 1233 is replaced by proline, an amino acid with similar properties. This amino acid position is conserved. In addition, this alteration is predicted to be deleterious by in silico analysis. Since supporting evidence is limited at this time, the clinical significance of this alteration remains unclear.